The following is an entry in ClinVar:

ClinVar aggregate classification (germline): Uncertain significance. Review status: criteria provided, multiple submitters, no conflicts (2 of 4 stars). 2 submissions from 2 submitters: Uncertain significance (2). Last evaluated 2024-05-14.

Conditions:
Dilated cardiomyopathy 1G (CMD1G). Identifiers: Orphanet 154, MedGen C1858763, MONDO:0011400, OMIM 604145.
Autosomal recessive limb-girdle muscular dystrophy type 2J (LGMDR10). Also called: Limb-girdle muscular dystrophy, type 2J; MUSCULAR DYSTROPHY, LIMB-GIRDLE, AUTOSOMAL RECESSIVE 10. Identifiers: Orphanet 140922, MedGen C1837342, MONDO:0012127, OMIM 608807.

Allele frequency attached by ClinVar (database versions not stated): gnomAD exomes below 0.00001; TOPMed below 0.00001.
gnomAD v4.1: 1 of 1,612,828 alleles (0.000062%); highest among the groups gnomAD compares: Non-Finnish European, 0.000085%; no homozygotes.

Submissions (2):

Labcorp Genetics (formerly Invitae), Labcorp
Classification: Uncertain significance for Dilated cardiomyopathy 1G; Autosomal recessive limb-girdle muscular dystrophy type 2J. Last evaluated: 2024-05-14. Review status: criteria provided, single submitter. Criteria: Invitae Variant Classification Sherloc (09022015). Collection method: clinical testing. Allele origin: germline.
Comment: This sequence change falls in intron 284 of the TTN gene. It does not directly change the encoded amino acid sequence of the TTN protein. It affects a nucleotide within the consensus splice site. This variant is not present in population databases (gnomAD no frequency). This variant has been observed in individual(s) with dilated cardiomyopathy (PMID: 22335739). This variant is also known as c.50346+3A>G. Experimental studies and prediction algorithms are not available or were not evaluated, and the functional significance of this variant is currently unknown. Variants that disrupt the consensus splice site are a relatively common cause of aberrant splicing (PMID: 17576681, 9536098). Algorithms developed to predict the effect of sequence changes on RNA splicing suggest that this variant is not likely to affect RNA splicing. This variant is located in the A band of TTN (PMID: 25589632). Variants in this region may be relevant for cardiac or neuromuscular disorders (PMID: 25589632, 23975875). In summary, the available evidence is currently insufficient to determine the role of this variant in disease. Therefore, it has been classified as a Variant of Uncertain Significance.

CeGaT Center for Human Genetics Tuebingen
Classification: Uncertain significance. Last evaluated: 2023-11-01. Review status: criteria provided, single submitter. Criteria: CeGaT Center For Human Genetics Tuebingen Variant Classification Criteria Version 2. Collection method: clinical testing. Allele origin: germline. Affected: yes. Observed: 1 variant allele.
Comment: TTN: PM2, PS4:Supporting, BP4

Literature cited by the submitters: PubMed 22335739 (cited by Labcorp Genetics (formerly Invitae), Labcorp); PubMed 17576681 (cited by Labcorp Genetics (formerly Invitae), Labcorp); PubMed 9536098 (cited by Labcorp Genetics (formerly Invitae), Labcorp); PubMed 25589632 (cited by Labcorp Genetics (formerly Invitae), Labcorp); PubMed 23975875 (cited by Labcorp Genetics (formerly Invitae), Labcorp).

NM_001267550.2(TTN):c.55269+3A>G

Genes: TTN (titin; minus strand), TTN-AS1 (TTN antisense RNA 1; plus strand). Cytogenetic location: 2q31.2.
Variant type: single nucleotide variant.
Coding change: c.55269+3A>G on transcript NM_001267550.2 (MANE Select); 3 bases into the intron after coding-DNA position 55269, A replaced by G.
Molecular consequence: intron variant.
Genome position (GRCh38, 1-based): chr2:178,601,999, T>C on the plus strand (A>G on the coding strand, the complement: TTN is on the minus strand). VCF-style: chr2-178601999-T-C. GRCh37 (hg19) VCF-style: chr2-179466726-T-C.
Other names: c.28074+3A>G (NM_003319.4); c.28650+3A>G (NM_133437.4); c.28449+3A>G (NM_133432.3); c.47565+3A>G (NM_133378.4); c.50346+3A>G (NM_001256850.1).
Identifiers: ClinVar variation 2672841 (VCV002672841.26), dbSNP rs72646820, ClinGen allele CA60978252.